The following is an entry in ClinVar:

ClinVar aggregate classification (germline): Uncertain significance (1 of 4 stars; one submission).

Conditions:
Hypertrophic cardiomyopathy. Also called: HYPERTROPHIC MYOCARDIOPATHY. Identifiers: Orphanet 217569, MedGen C0007194, MeSH D002312, MONDO:0005045, HP:0001639.

Submission:

Labcorp Genetics (formerly Invitae), Labcorp
Classification: Uncertain significance for Hypertrophic cardiomyopathy. Last evaluated: 2024-10-17. Review status: criteria provided, single submitter. Criteria: Invitae Variant Classification Sherloc (09022015). Collection method: clinical testing. Allele origin: germline.
Comment: This sequence change replaces arginine, which is basic and polar, with leucine, which is neutral and non-polar, at codon 1846 of the MYH7 protein (p.Arg1846Leu). This variant is not present in population databases (gnomAD no frequency). This variant has not been reported in the literature in individuals affected with MYH7-related conditions. Invitae Evidence Modeling of protein sequence and biophysical properties (such as structural, functional, and spatial information, amino acid conservation, physicochemical variation, residue mobility, and thermodynamic stability) indicates that this missense variant is expected to disrupt MYH7 protein function with a positive predictive value of 95%. This variant disrupts the p.Arg1846 amino acid residue in MYH7. Other variant(s) that disrupt this residue have been determined to be pathogenic (PMID: 29997562; internal data). This suggests that this residue is clinically significant, and that variants that disrupt this residue are likely to be disease-causing. In summary, the available evidence is currently insufficient to determine the role of this variant in disease. Therefore, it has been classified as a Variant of Uncertain Significance.

Literature cited by the submitters: PubMed 29997562.

NM_000257.4(MYH7):c.5537G>T (p.Arg1846Leu)

Gene: MYH7 (myosin heavy chain 7; minus strand). Cytogenetic location: 14q11.2.
Variant type: single nucleotide variant.
Coding change: c.5537G>T on transcript NM_000257.4 (MANE Select); coding-DNA position 5537, G replaced by T.
Protein change: p.Arg1846Leu; replaces arginine 1846 with leucine.
Molecular consequence: missense variant.
Genome position (GRCh38, 1-based): chr14:23,415,017, C>A on the plus strand (G>T on the coding strand, the complement: MYH7 is on the minus strand). VCF-style: chr14-23415017-C-A. GRCh37 (hg19) VCF-style: chr14-23884226-C-A.
Other names: c.5537G>T, p.Arg1846Leu (NM_001407004.1); short protein forms R1846L.
Identifiers: ClinVar variation 3635990 (VCV003635990.2).